The following is an entry in ClinVar:

ClinVar aggregate classification (germline): Pathogenic/Likely pathogenic. Review status: criteria provided, multiple submitters, no conflicts (2 of 4 stars). 7 submissions from 7 submitters: Pathogenic (5); Likely pathogenic (2). Last evaluated 2025-07-21.

Conditions:
Bronchiectasis with or without elevated sweat chloride 1 (BESC1). Also called: Cystic Fibrosis-Like Syndrome. Identifiers: Orphanet 60033, MedGen C2749757, MONDO:0008887, OMIM 211400.
Cystic fibrosis (CF). Also called: MUCOVISCIDOSIS. Identifiers: Orphanet 586, MedGen C0010674, MONDO:0009061, OMIM 219700. Disease mechanism: loss of function.
CFTR-related disorder (CFTR-RD). Also called: CFTR-related disorders; CFTR-related condition. Identifiers: MedGen C5924204, MONDO:7770004.

gnomAD v4.1: 1 of 1,583,478 alleles (0.000063%); no homozygotes.

Submissions (7):

Natera, Inc.
Classification: Pathogenic for CFTR-related disorders. Last evaluated: 2025-07-21. Review status: criteria provided, single submitter. Criteria: Natera Variant Classification Schema (03/2026). Collection method: clinical testing. Allele origin: germline.
Comment: The c.1585-2A>T variant in CFTR is a canonical splice acceptor site variant predicted to affect pre-mRNA splicing, which may result in an abnormal transcript and altered protein product. This variant is expected to result in nonsense mediated decay, truncation, or a dysfunctional protein product. This variant is rare in the general population with a frequency below the threshold expected for the associated phenotype(s). Another variant at this same site results in an alteration predicted to cause a similar molecular effect has been observed in individual(s) with the associated phenotype. Given the available evidence, this variant is classified as Pathogenic.

Women's Health and Genetics/Laboratory Corporation of America, LabCorp
Classification: Pathogenic for Cystic fibrosis. Last evaluated: 2025-05-08. Review status: criteria provided, single submitter. Criteria: LabCorp Variant Classification Summary - May 2015. Collection method: clinical testing. Allele origin: germline.
Comment: Variant summary: CFTR c.1585-2A>T is located in a canonical splice-site and is predicted to affect mRNA splicing resulting in a significantly altered protein due to either exon skipping, shortening, or inclusion of intronic material. Variants that disrupt the consensus splice site are a relatively common cause of aberrant splicing and loss of CFTR function. Several computational tools predict a significant impact on normal splicing: Four predict the variant abolishes a canonical 3' acceptor site. However, these predictions have yet to be confirmed by functional studies. The variant was absent in 250846 control chromosomes. c.1585-2A>T has been observed in individual(s) affected with Cystic Fibrosis (example: Beauchamp_2019). The following publication has been ascertained in the context of this evaluation (PMID: 31036917). ClinVar contains an entry for this variant (Variation ID: 1027585). Based on the evidence outlined above, the variant was classified as pathogenic.

Revvity Omics, Revvity
Classification: Pathogenic. Last evaluated: 2025-01-29. Review status: criteria provided, single submitter. Criteria: ACMG Guidelines, 2015. Collection method: clinical testing. Allele origin: germline.

Baylor Genetics
Classification: Pathogenic for Bronchiectasis with or without elevated sweat chloride 1. Last evaluated: 2024-03-26. Review status: criteria provided, single submitter. Criteria: ACMG Guidelines, 2015. Collection method: clinical testing. Allele origin: unknown.

Labcorp Genetics (formerly Invitae), Labcorp
Classification: Pathogenic for Cystic fibrosis. Last evaluated: 2024-01-17. Review status: criteria provided, single submitter. Criteria: Invitae Variant Classification Sherloc (09022015). Collection method: clinical testing. Allele origin: germline.
Comment: This sequence change affects an acceptor splice site in intron 11 of the CFTR gene. It is expected to disrupt RNA splicing. Variants that disrupt the donor or acceptor splice site typically lead to a loss of protein function (PMID: 16199547), and loss-of-function variants in CFTR are known to be pathogenic (PMID: 1695717, 7691345, 9725922). This variant is not present in population databases (gnomAD no frequency). Disruption of this splice site has been observed in individual(s) with cystic fibrosis (PMID: 11788090). ClinVar contains an entry for this variant (Variation ID: 1027585). Studies have shown that disruption of this splice site alters mRNA splicing and is expected to lead to the loss of protein expression (PMID: 25066652). For these reasons, this variant has been classified as Pathogenic.

Ambry Genetics
Classification: Likely pathogenic for Cystic fibrosis. Last evaluated: 2021-11-09. Review status: criteria provided, single submitter. Criteria: Ambry Variant Classification Scheme 2023. Collection method: clinical testing. Allele origin: germline.
Comment: The c.1585-2A>T intronic variant results from an A to T substitution two nucleotides upstream from coding exon 12 in the CFTR gene. Alterations that disrupt the canonical splice site are expected to result in aberrant splicing. In silico splice site analysis predicts that this alteration will weaken the native splice acceptor site and may result in the creation or strengthening of a novel splice acceptor site. The resulting transcript is predicted to be in-frame and is not expected to trigger nonsense-mediated mRNAdecay; however, based on available data in the literature, the in-frame transcript is unlikely to occur. In one minigene expression assay, 5 different variants were tested at this acceptor site, and none of them resulted in the in-frame transcript (Sharma N. et al. Hum Mutat 2014 Oct;35(10):1249-59). Another study found that a different alteration at this position, c.1585-2A>G, resulted in skipping of exon 12 and retention of 6 nucleotides in intron 11 (both out-of-frame transcripts). The presence of these two transcripts was confirmed in total RNA obtained from a patient with c.1585-2A>G (Silva IAL et al. Biochim Biophys Acta Mol Basis Dis 2020 11;1866(11):165905). In the same minigene assay, a common mutation c.1585-1G>A (1717-1G>A), resulted in skipping of exon 12 and a deletion of 1 nucleotide in exon 12. Further, analysis of RNA from nasal epithelial cells revealed that c.1585-1G>A resulted in skipping of exon 12 in 3 patients (Hull J. et al. Hum Mol Genet 1993 Jun;2(6):689-92). The c.1585-2A>T variant is considered to be rare based on population cohorts in the Genome Aggregation Database (gnomAD).This nucleotide position is highly conserved in available vertebrate species. Based on the majority of available evidence to date, this variant is likely to be pathogenic.

Neuberg Centre For Genomic Medicine, NCGM
Classification: Likely pathogenic for Cystic fibrosis. Review status: criteria provided, single submitter. Criteria: ACMG Guidelines, 2015. Collection method: clinical testing. Allele origin: germline. Inheritance: Autosomal recessive inheritance. Affected: yes.
Comment: The splice site c.1585-2A>T variant in CFTR gene has been reported in ClinVar as Likely Pathogenic. The c.1585-2A>T variant is novel (not in any individuals) in gnomAD Exomes and 1000 Genomes. Loss of function variants have been previously reported to be disease causing. For these reasons, this variant has been classified as Likely Pathogenic.

Literature cited by the submitters: PubMed 31036917 (cited by Women's Health and Genetics/Laboratory Corporation of America, LabCorp); PubMed 16199547 (cited by Labcorp Genetics (formerly Invitae), Labcorp); PubMed 1695717 (cited by Labcorp Genetics (formerly Invitae), Labcorp); PubMed 7691345 (cited by Labcorp Genetics (formerly Invitae), Labcorp); PubMed 9725922 (cited by Labcorp Genetics (formerly Invitae), Labcorp); PubMed 11788090 (cited by Labcorp Genetics (formerly Invitae), Labcorp); PubMed 25066652 (cited by Labcorp Genetics (formerly Invitae), Labcorp and Ambry Genetics); PubMed 32730979 (cited by Ambry Genetics).

NM_000492.4(CFTR):c.1585-2A>T

Genes: CFTR (CF transmembrane conductance regulator; plus strand), LOC111674475 (CFTR intron 11 enhancer; plus strand). Cytogenetic location: 7q31.2.
Variant type: single nucleotide variant.
Coding change: c.1585-2A>T on transcript NM_000492.4 (MANE Select); the canonical splice acceptor site of the intron before coding-DNA position 1585, A replaced by T.
Molecular consequence: splice acceptor variant.
Genome position (GRCh38, 1-based): chr7:117,587,737, A>T. VCF-style: chr7-117587737-A-T. GRCh37 (hg19) VCF-style: chr7-117227791-A-T.
Identifiers: ClinVar variation 1027585 (VCV001027585.16), dbSNP rs397508233, ClinGen allele CA368975743.